The following is an entry in ClinVar:

NM_014915.3(ANKRD26):c.1722T>A (p.Asp574Glu)

Gene: ANKRD26 (ankyrin repeat domain 26; minus strand). Cytogenetic location: 10p12.1.
Variant type: single nucleotide variant.
Coding change: c.1722T>A on transcript NM_014915.3 (MANE Select); coding-DNA position 1722, T replaced by A.
Protein change: p.Asp574Glu; replaces aspartic acid 574 with glutamic acid.
Molecular consequence: missense variant.
Genome position (GRCh38, 1-based): chr10:27,048,893, A>T on the plus strand (T>A on the coding strand, the complement: ANKRD26 is on the minus strand). VCF-style: chr10-27048893-A-T. GRCh37 (hg19) VCF-style: chr10-27337822-A-T.
Other names: c.1722T>A, p.Asp574Glu (NM_001256053.2); short protein forms D574E.
Identifiers: ClinVar variation 4842326 (VCV004842326.1).

ClinVar aggregate classification (germline): Uncertain significance (1 of 4 stars; one submission).

Conditions:
Inborn genetic diseases. Identifiers: MedGen C0950123, MeSH D030342.

gnomAD v4.1: 1 of 1,612,008 alleles (0.000062%); highest among the groups gnomAD compares: Non-Finnish European, 0.000085%; no homozygotes.

Submission:

Ambry Genetics
Classification: Uncertain significance for Inborn genetic diseases. Last evaluated: 2025-12-15. Review status: criteria provided, single submitter. Criteria: Ambry Variant Classification Scheme 2023. Collection method: clinical testing. Allele origin: germline.
Comment: The p.D574E variant (also known as c.1722T>A), located in coding exon 17 of the ANKRD26 gene, results from a T to A substitution at nucleotide position 1722. The aspartic acid at codon 574 is replaced by glutamic acid, an amino acid with highly similar properties. This amino acid position is conserved. In addition, this alteration is predicted to be tolerated by in silico analysis. Based on the available evidence, the clinical significance of this variant remains unclear.